The following is an entry in ClinVar:

NC_000010.10:g.(?_14995881)_(14996009_?)dup

Gene: DCLRE1C (DNA cross-link repair 1C; minus strand). Cytogenetic location: 10p13.
Variant type: Duplication.
Identifiers: ClinVar variation 1410029 (VCV001410029.4).

ClinVar aggregate classification (germline): Uncertain significance (1 of 4 stars; one submission).

Conditions:
Severe combined immunodeficiency due to DCLRE1C deficiency (RS-SCID). Also called: SCID, AUTOSOMAL RECESSIVE, T CELL-NEGATIVE, B CELL-NEGATIVE, NK CELL-POSITIVE, WITH SENSITIVITY TO IONIZING RADIATION. Identifiers: Orphanet 275, MedGen C1865371, MONDO:0011225, OMIM 602450.

Submission:

Labcorp Genetics (formerly Invitae), Labcorp
Classification: Uncertain significance for Athabaskan severe combined immunodeficiency. Last evaluated: 2022-03-19. Review status: criteria provided, single submitter. Criteria: Invitae Variant Classification Sherloc (09022015). Collection method: clinical testing. Allele origin: germline.
Comment: This variant results in a copy number gain of the genomic region encompassing exon(s) 1 of the DCLRE1C gene. This region includes the initiator codon of the gene. This copy number gain extends beyond the assayed region for this gene and therefore may encompass additional genes. As the precise location of this event is unknown, it may be in tandem or it may be located elsewhere in the genome. This variant has not been reported in the literature in individuals affected with DCLRE1C-related conditions. Experimental studies and prediction algorithms are not available or were not evaluated, and the functional significance of this variant is currently unknown. In summary, the available evidence is currently insufficient to determine the role of this variant in disease. Therefore, it has been classified as a Variant of Uncertain Significance.